The following is an entry in ClinVar:

ClinVar aggregate classification (germline): Uncertain significance (0 of 4 stars; one submission).

Conditions:
NEFH-related disorder. Also called: NEFH-related condition.

gnomAD v4.1: 4 of 1,507,444 alleles (0.00027%); highest among the groups gnomAD compares: Non-Finnish European, 0.00035%; no homozygotes.

Submission:

PreventionGenetics, part of Exact Sciences
Classification: Uncertain significance for NEFH-related condition. Last evaluated: 2024-07-05. Review status: no assertion criteria provided. Collection method: clinical testing. Allele origin: germline.
Comment: The NEFH c.61G>T variant is predicted to result in the amino acid substitution p.Gly21Cys. To our knowledge, this variant has not been reported in the literature or in a large population database, indicating this variant is rare. At this time, the clinical significance of this variant is uncertain due to the absence of conclusive functional and genetic evidence.

NM_021076.4(NEFH):c.61G>T (p.Gly21Cys)

Gene: NEFH (neurofilament heavy chain; plus strand). Cytogenetic location: 22q12.2.
Variant type: single nucleotide variant.
Coding change: c.61G>T on transcript NM_021076.4 (MANE Select); coding-DNA position 61, G replaced by T.
Protein change: p.Gly21Cys; replaces glycine 21 with cysteine.
Molecular consequence: missense variant.
Genome position (GRCh38, 1-based): chr22:29,480,323, G>T. VCF-style: chr22-29480323-G-T. GRCh37 (hg19) VCF-style: chr22-29876312-G-T.
Other names: short protein forms G21C.
Identifiers: ClinVar variation 3351107 (VCV003351107.1).